The following is an entry in ClinVar:

ClinVar aggregate classification (germline): Uncertain significance (1 of 4 stars; one submission).

Conditions:
Dyskeratosis congenita. Identifiers: Orphanet 1775, MedGen C0265965, MONDO:0015780.

Allele frequency attached by ClinVar (database versions not stated): gnomAD exomes below 0.00001; ExAC 0.00001; TOPMed 0.00002.
gnomAD v4.1: 2 of 1,614,012 alleles (0.00012%); highest among the groups gnomAD compares: Non-Finnish European, 0.00017%; no homozygotes.

Submission:

Labcorp Genetics (formerly Invitae), Labcorp
Classification: Uncertain significance for Dyskeratosis congenita. Last evaluated: 2023-08-30. Review status: criteria provided, single submitter. Criteria: Invitae Variant Classification Sherloc (09022015). Collection method: clinical testing. Allele origin: germline.
Comment: This sequence change replaces glutamic acid, which is acidic and polar, with lysine, which is basic and polar, at codon 133 of the NHP2 protein (p.Glu133Lys). This variant is not present in population databases (gnomAD no frequency). In summary, the available evidence is currently insufficient to determine the role of this variant in disease. Therefore, it has been classified as a Variant of Uncertain Significance. An algorithm developed to predict the effect of missense changes on protein structure and function (PolyPhen-2) suggests that this variant is likely to be disruptive. ClinVar contains an entry for this variant (Variation ID: 2047298). This variant has not been reported in the literature in individuals affected with NHP2-related conditions.

NM_017838.4(NHP2):c.397G>A (p.Glu133Lys)

Genes: RMND5B (required for meiotic nuclear division 5 homolog B; plus strand), NHP2 (NHP2 ribonucleoprotein; minus strand). Cytogenetic location: 5q35.3.
Variant type: single nucleotide variant.
Coding change: c.397G>A on transcript NM_017838.4 (MANE Select); coding-DNA position 397, G replaced by A.
Protein change: p.Glu133Lys; replaces glutamic acid 133 with lysine.
Molecular consequence: missense variant. On other transcripts: 3 prime UTR variant (5).
Genome position (GRCh38, 1-based): chr5:178,149,778, C>T on the plus strand (G>A on the coding strand, the complement: NHP2 is on the minus strand). VCF-style: chr5-178149778-C-T. GRCh37 (hg19) VCF-style: chr5-177576779-C-T.
Other names: c.*18G>A (NM_001034833.2, NM_001396110.1); c.*1746C>T (NM_001288794.2, NM_001288795.2, NM_022762.5); short protein forms E133K.
Identifiers: ClinVar variation 2047298 (VCV002047298.4), dbSNP rs747921841, ClinGen allele CA3589108.
Genomic context (GRCh38, chr5:178,149,778, plus strand): 5'-GGGGTAGGGGCAGGGACTGCACCTCCTCCAGGCACTCATCGTAAGCCTCCTGGTACTCCT[C>T]ATGGGGCTTGACCATTATCACACAGGTGGGGCGCTTGGAGCCTGCGGCTGCACCCAGGTC-3'
Protein context (NP_060308.1, residues 123-143): PTCVIMVKPH[Glu133Lys]EYQEAYDECL